The following is an entry in ClinVar:

ClinVar aggregate classification (germline): Uncertain significance. Review status: criteria provided, multiple submitters, no conflicts (2 of 4 stars). 2 submissions from 2 submitters: Uncertain significance (2). Last evaluated 2024-04-15.

Conditions:
Hereditary cancer-predisposing syndrome. Also called: Neoplastic Syndromes, Hereditary; Tumor predisposition; Hereditary neoplastic syndrome; Hereditary Cancer Syndrome. Identifiers: Orphanet 140162, MedGen C0027672, MeSH D009386, MONDO:0015356.
Familial cancer of breast. Also called: hereditary breast carcinoma; Hereditary breast cancer; BREAST CANCER, FAMILIAL. Identifiers: Orphanet 227535, MedGen C0346153, MONDO:0016419, OMIM 114480. Disease mechanism: loss of function.

Submissions (2):

Labcorp Genetics (formerly Invitae), Labcorp
Classification: Uncertain significance for Familial cancer of breast. Last evaluated: 2024-04-15. Review status: criteria provided, single submitter. Criteria: Invitae Variant Classification Sherloc (09022015). Collection method: clinical testing. Allele origin: germline.
Comment: This sequence change replaces proline, which is neutral and non-polar, with serine, which is neutral and polar, at codon 267 of the PALB2 protein (p.Pro267Ser). This variant is not present in population databases (gnomAD no frequency). This variant has not been reported in the literature in individuals affected with PALB2-related conditions. ClinVar contains an entry for this variant (Variation ID: 1352600). Algorithms developed to predict the effect of missense changes on protein structure and function output the following: SIFT: "Not Available"; PolyPhen-2: "Benign"; Align-GVGD: "Not Available". The serine amino acid residue is found in multiple mammalian species, which suggests that this missense change does not adversely affect protein function. In summary, the available evidence is currently insufficient to determine the role of this variant in disease. Therefore, it has been classified as a Variant of Uncertain Significance.

Ambry Genetics
Classification: Uncertain significance for Hereditary cancer-predisposing syndrome. Last evaluated: 2023-03-12. Review status: criteria provided, single submitter. Criteria: Ambry Variant Classification Scheme 2023. Collection method: clinical testing. Allele origin: germline.
Comment: The p.P267S variant (also known as c.799C>T), located in coding exon 4 of the PALB2 gene, results from a C to T substitution at nucleotide position 799. The proline at codon 267 is replaced by serine, an amino acid with similar properties. This amino acid position is conserved. In addition, this alteration is predicted to be tolerated by in silico analysis. Since supporting evidence is limited at this time, the clinical significance of this alteration remains unclear.

NM_024675.4(PALB2):c.799C>T (p.Pro267Ser)

Gene: PALB2 (partner and localizer of BRCA2; minus strand). Cytogenetic location: 16p12.2.
Variant type: single nucleotide variant.
Coding change: c.799C>T on transcript NM_024675.4 (MANE Select); coding-DNA position 799, C replaced by T.
Protein change: p.Pro267Ser; replaces proline 267 with serine.
Molecular consequence: missense variant.
Genome position (GRCh38, 1-based): chr16:23,635,747, G>A on the plus strand (C>T on the coding strand, the complement: PALB2 is on the minus strand). VCF-style: chr16-23635747-G-A. GRCh37 (hg19) VCF-style: chr16-23647068-G-A.
Other names: c.799C>T (NM_024675.3); short protein forms P267S.
Identifiers: ClinVar variation 1352600 (VCV001352600.10), dbSNP rs2142434198, ClinGen allele CA395136019.